The following is an entry in ClinVar:

ClinVar aggregate classification (germline): Uncertain significance (1 of 4 stars; one submission).

gnomAD v4.1: 2 of 1,552,114 alleles (0.00013%); highest among the groups gnomAD compares: African/African-American, 0.0027%; no homozygotes.

Submission:

GeneDx
Classification: Uncertain significance. Last evaluated: 2025-08-05. Review status: criteria provided, single submitter. Criteria: GeneDx Variant Classification Process June 2021. Collection method: clinical testing. Allele origin: germline. Affected: yes.
Comment: Not observed at significant frequency in large population cohorts (gnomAD); In silico analysis supports that this missense variant has a deleterious effect on protein structure/function; Has not been previously published as pathogenic or benign to our knowledge

NM_001371986.1(UNC80):c.5048G>A (p.Cys1683Tyr)

Genes: UNC80 (unc-80 subunit of NALCN channel complex; plus strand), LOC126806490 (P300/CBP strongly-dependent group 1 enhancer GRCh37_chr2:210782411-210783610; plus strand). Cytogenetic location: 2q34.
Variant type: single nucleotide variant.
Coding change: c.5048G>A on transcript NM_001371986.1 (MANE Select); coding-DNA position 5048, G replaced by A.
Protein change: p.Cys1683Tyr; replaces cysteine 1683 with tyrosine.
Molecular consequence: missense variant.
Genome position (GRCh38, 1-based): chr2:209,917,795, G>A. VCF-style: chr2-209917795-G-A. GRCh37 (hg19) VCF-style: chr2-210782519-G-A.
Other names: c.4850G>A, p.Cys1617Tyr (NM_032504.2); c.4835G>A, p.Cys1612Tyr (NM_182587.4); short protein forms C1612Y, C1617Y, C1683Y.
Identifiers: ClinVar variation 4755896 (VCV004755896.1).